The following is an entry in ClinVar:

ClinVar aggregate classification (germline): Uncertain significance (1 of 4 stars; one submission).

gnomAD v4.1: 5 of 1,614,048 alleles (0.00031%); highest among the groups gnomAD compares: South Asian, 0.0044%; no homozygotes.

Submission:

Women's Health and Genetics/Laboratory Corporation of America, LabCorp
Classification: Uncertain significance. Last evaluated: 2024-09-16. Review status: criteria provided, single submitter. Criteria: LabCorp Variant Classification Summary - May 2015. Collection method: clinical testing. Allele origin: germline.
Comment: Variant summary: SPG11 c.6322C>T (p.Pro2108Ser) results in a non-conservative amino acid change located in the Spatacsin, C-terminal domain (IPR028107) of the encoded protein sequence. Five of five in-silico tools predict a damaging effect of the variant on protein function. The variant was absent in 251476 control chromosomes. The available data on variant occurrences in the general population are insufficient to allow any conclusion about variant significance. To our knowledge, no occurrence of c.6322C>T in individuals affected with Hereditary Spastic Paraplegia, Type 11 and no experimental evidence demonstrating its impact on protein function have been reported. No submitters have cited clinical-significance assessments for this variant to ClinVar. Based on the evidence outlined above, the variant was classified as uncertain significance.

NM_025137.4(SPG11):c.6322C>T (p.Pro2108Ser)

Gene: SPG11 (SPG11 vesicle trafficking associated, spatacsin; minus strand). Cytogenetic location: 15q21.1.
Variant type: single nucleotide variant.
Coding change: c.6322C>T on transcript NM_025137.4 (MANE Select); coding-DNA position 6322, C replaced by T.
Protein change: p.Pro2108Ser; replaces proline 2108 with serine.
Molecular consequence: missense variant.
Genome position (GRCh38, 1-based): chr15:44,572,704, G>A on the plus strand (C>T on the coding strand, the complement: SPG11 is on the minus strand). VCF-style: chr15-44572704-G-A. GRCh37 (hg19) VCF-style: chr15-44864902-G-A.
Other names: c.5983C>T, p.Pro1995Ser (NM_001160227.2); c.6178C>T, p.Pro2060Ser (NM_001411132.1); short protein forms P1995S, P2060S, P2108S.
Identifiers: ClinVar variation 3374781 (VCV003374781.1).